The following is an entry in ClinVar:

ClinVar aggregate classification (germline): Uncertain significance. Review status: criteria provided, multiple submitters, no conflicts (2 of 4 stars). 3 submissions from 3 submitters: Uncertain significance (3). Last evaluated 2025-09-10.

Conditions:
Arrhythmogenic cardiomyopathy with wooly hair and keratoderma. Also called: Arrhythmogenic cardiomyopathy with woolly hair and keratoderma; Carvajal syndrome; Dilated cardiomyopathy with woolly hair and keratoderma; PALMOPLANTAR KERATODERMA WITH LEFT VENTRICULAR CARDIOMYOPATHY AND WOOLLY HAIR. Identifiers: Orphanet 65282, MedGen C1854063, MONDO:0011581, OMIM 605676.
Arrhythmogenic right ventricular dysplasia 8 (ARVD8). Also called: ARRHYTHMOGENIC RIGHT VENTRICULAR DYSPLASIA, FAMILIAL, 8; ARRHYTHMOGENIC RIGHT VENTRICULAR CARDIOMYOPATHY 8; Arrhythmogenic Right Ventricular Dysplasia/Cardiomyopathy 8. Identifiers: MedGen C1843896, MONDO:0011831, OMIM 607450.
Cardiovascular phenotype. Identifiers: MedGen CN230736.

Allele frequency attached by ClinVar (database versions not stated): TOPMed below 0.00001; gnomAD 0.00001.
gnomAD v4.1: 13 of 1,613,968 alleles (0.00081%); highest among the groups gnomAD compares: Non-Finnish European, 0.0011%; no homozygotes.

Submissions (3):

Labcorp Genetics (formerly Invitae), Labcorp
Classification: Uncertain significance for Arrhythmogenic cardiomyopathy with wooly hair and keratoderma; Arrhythmogenic right ventricular dysplasia 8. Last evaluated: 2025-09-10. Review status: criteria provided, single submitter. Criteria: Invitae Variant Classification Sherloc (09022015). Collection method: clinical testing. Allele origin: germline.
Comment: This sequence change replaces isoleucine, which is neutral and non-polar, with lysine, which is basic and polar, at codon 1395 of the DSP protein (p.Ile1395Lys). This variant is present in population databases (no rsID available, gnomAD 0.007%). This variant has not been reported in the literature in individuals affected with DSP-related conditions. ClinVar contains an entry for this variant (Variation ID: 1422402). An algorithm developed to predict the effect of missense changes on protein structure and function (PolyPhen-2) suggests that this variant is likely to be tolerated. In summary, the available evidence is currently insufficient to determine the role of this variant in disease. Therefore, it has been classified as a Variant of Uncertain Significance.

Ambry Genetics
Classification: Uncertain significance for Cardiovascular phenotype. Last evaluated: 2025-01-19. Review status: criteria provided, single submitter. Criteria: Ambry Variant Classification Scheme 2023. Collection method: clinical testing. Allele origin: germline.
Comment: The p.I1395K variant (also known as c.4184T>A), located in coding exon 23 of the DSP gene, results from a T to A substitution at nucleotide position 4184. The isoleucine at codon 1395 is replaced by lysine, an amino acid with dissimilar properties. This amino acid position is conserved. In addition, the in silico prediction for this alteration is inconclusive. Based on the available evidence, the clinical significance of this variant remains unclear.

All of Us Research Program, National Institutes of Health
Classification: Uncertain significance for Arrhythmogenic cardiomyopathy with wooly hair and keratoderma. Last evaluated: 2024-04-10. Review status: criteria provided, single submitter. Criteria: ACMG Guidelines, 2015. Collection method: clinical testing. Allele origin: germline. Inheritance: Autosomal dominant inheritance. Observed: 2 variant alleles, 2 heterozygotes.
Comment: This missense variant replaces isoleucine with lysine at codon 1395 of the DSP protein. Computational prediction suggests that this variant may not impact protein structure and function (internally defined REVEL score threshold <= 0.5, PMID: 27666373). To our knowledge, functional studies have not been reported for this variant. This variant has not been reported in individuals affected with DSP-related disorders in the literature. This variant has been identified in 1/31388 chromosomes in the general population by the Genome Aggregation Database (gnomAD). The available evidence is insufficient to determine the role of this variant in disease conclusively. Therefore, this variant is classified as a Variant of Uncertain Significance.

This study involves interpretation of variants in research participants for the purpose of population health screening. Participant phenotype was not available at the time of variant classification. Additional details can be found in publication PMID: 35346344, PMCID: PMC8962531

NM_004415.4(DSP):c.4184T>A (p.Ile1395Lys)

Gene: DSP (desmoplakin; plus strand). Cytogenetic location: 6p24.3.
Variant type: single nucleotide variant.
Coding change: c.4184T>A on transcript NM_004415.4 (MANE Select); coding-DNA position 4184, T replaced by A.
Protein change: p.Ile1395Lys; replaces isoleucine 1395 with lysine.
Molecular consequence: missense variant. On other transcripts: intron variant (2).
Genome position (GRCh38, 1-based): chr6:7,580,374, T>A. VCF-style: chr6-7580374-T-A. GRCh37 (hg19) VCF-style: chr6-7580607-T-A.
Other names: c.4050+134T>A (NM_001319034.2); c.3582+602T>A (NM_001008844.3); c.4184T>A (NM_004415.2); short protein forms I1395K.
Identifiers: ClinVar variation 1422402 (VCV001422402.9), dbSNP rs1220191244, ClinGen allele CA362685739.
Genomic context (GRCh38, chr6:7,580,374, plus strand): 5'-CCACCATCCACCAGCTCACCATGCAGAAGGAAGAGGATACCAGTGGCTACCGGGCTCAGA[T>A]AGACAATCTCACCCGAGAAAACAGGAGCTTATCTGAAGAAATAAAGAGGCTGAAGAACAC-3'
Protein context (NP_004406.2, residues 1385-1405): EEDTSGYRAQ[Ile1395Lys]DNLTRENRSL